The following is an entry in ClinVar:

ClinVar aggregate classification (germline): Uncertain significance (1 of 4 stars; one submission).

Conditions:
Catecholaminergic polymorphic ventricular tachycardia 1. Also called: RYR2-Related Catecholaminergic Polymorphic Ventricular Tachycardia; VENTRICULAR TACHYCARDIA, CATECHOLAMINERGIC POLYMORPHIC, 1, WITH OR WITHOUT ATRIAL DYSFUNCTION AND/OR DILATED CARDIOMYOPATHY; VENTRICULAR TACHYCARDIA, STRESS-INDUCED POLYMORPHIC 1. Identifiers: Orphanet 3286, MedGen C1631597, MONDO:0011484, OMIM 604772.

Submission:

Labcorp Genetics (formerly Invitae), Labcorp
Classification: Uncertain significance for Catecholaminergic polymorphic ventricular tachycardia 1. Last evaluated: 2024-02-16. Review status: criteria provided, single submitter. Criteria: Invitae Variant Classification Sherloc (09022015). Collection method: clinical testing. Allele origin: germline.
Comment: This sequence change affects a donor splice site in intron 85 of the RYR2 gene. It is expected to disrupt RNA splicing. Variants that disrupt the donor or acceptor splice site typically lead to a loss of protein function (PMID: 16199547), however the current clinical and genetic evidence is not sufficient to establish whether loss-of-function variants in RYR2 cause disease. This variant is not present in population databases (gnomAD no frequency). This variant has not been reported in the literature in individuals affected with RYR2-related conditions. Algorithms developed to predict the effect of sequence changes on RNA splicing suggest that this variant may disrupt the consensus splice site. In summary, the available evidence is currently insufficient to determine the role of this variant in disease. Therefore, it has been classified as a Variant of Uncertain Significance.

Literature cited by the submitters: PubMed 16199547.

NM_001035.3(RYR2):c.11557+1G>A

Gene: RYR2 (ryanodine receptor 2; plus strand). Cytogenetic location: 1q43.
Variant type: single nucleotide variant.
Coding change: c.11557+1G>A on transcript NM_001035.3 (MANE Select); the canonical splice donor site of the intron after coding-DNA position 11557, G replaced by A.
Molecular consequence: splice donor variant.
Genome position (GRCh38, 1-based): chr1:237,770,888, G>A. VCF-style: chr1-237770888-G-A. GRCh37 (hg19) VCF-style: chr1-237934188-G-A.
Identifiers: ClinVar variation 3641445 (VCV003641445.2).